The following is an entry in ClinVar:

NM_001393769.1(MED12L):c.3271C>A (p.Leu1091Ile)

Genes: MED12L (mediator complex subunit 12L; plus strand), P2RY12 (purinergic receptor P2Y12; minus strand). Cytogenetic location: 3q25.1.
Variant type: single nucleotide variant.
Coding change: c.3271C>A on transcript NM_001393769.1 (MANE Select); coding-DNA position 3271, C replaced by A.
Protein change: p.Leu1091Ile; replaces leucine 1091 with isoleucine.
Molecular consequence: missense variant. On other transcripts: intron variant (1).
Genome position (GRCh38, 1-based): chr3:151,365,935, C>A. VCF-style: chr3-151365935-C-A. GRCh37 (hg19) VCF-style: chr3-151083723-C-A.
Other names: c.3166C>A, p.Leu1056Ile (NM_053002.6); c.-180+18757G>T (NM_022788.5); short protein forms L1056I, L1091I.
Identifiers: ClinVar variation 3350953 (VCV003350953.1).
Genomic context (GRCh38, chr3:151,365,935, plus strand): 5'-TCTGAGCTTACGGCTTGCTGCACTGTTCTTAGTTCAGAATGGCTGGGGGTTCTGAAGGCT[C>A]TTTGTTGTTCTTCAAATCACGTGTGGGGGTTTAATGATGTACTTTGCACTGTAGATGTAA-3'
Protein context (NP_001380698.1, residues 1081-1101): SSEWLGVLKA[Leu1091Ile]CCSSNHVWGF

ClinVar aggregate classification (germline): Uncertain significance (0 of 4 stars; one submission).

Conditions:
MED12L-related disorder. Also called: MED12L-related condition.

gnomAD v4.1: 1 of 1,613,362 alleles (0.000062%); highest among the groups gnomAD compares: Admixed American, 0.0017%; no homozygotes.

Submission:

PreventionGenetics, part of Exact Sciences
Classification: Uncertain significance for MED12L-related condition. Last evaluated: 2024-06-14. Review status: no assertion criteria provided. Collection method: clinical testing. Allele origin: germline.
Comment: The MED12L c.3166C>A variant is predicted to result in the amino acid substitution p.Leu1056Ile. To our knowledge, this variant has not been reported in the literature. This variant is reported in 0.0029% of alleles in individuals of Latino descent in gnomAD. At this time, the clinical significance of this variant is uncertain due to the absence of conclusive functional and genetic evidence.